The following is an entry in ClinVar:

NM_001291303.3(FAT4):c.10894G>A (p.Gly3632Ser)

Gene: FAT4 (FAT atypical cadherin 4; plus strand). Cytogenetic location: 4q28.1.
Variant type: single nucleotide variant.
Coding change: c.10894G>A on transcript NM_001291303.3 (MANE Select); coding-DNA position 10894, G replaced by A.
Protein change: p.Gly3632Ser; replaces glycine 3632 with serine.
Molecular consequence: missense variant.
Genome position (GRCh38, 1-based): chr4:125,451,904, G>A. VCF-style: chr4-125451904-G-A. GRCh37 (hg19) VCF-style: chr4-126373059-G-A.
Other names: c.10894G>A, p.Gly3632Ser (NM_001291285.3); c.10888G>A, p.Gly3630Ser (NM_024582.6); short protein forms G3630S, G3632S.
Identifiers: ClinVar variation 1722827 (VCV001722827.3), dbSNP rs764672318, ClinGen allele CA3073760.

ClinVar aggregate classification (germline): Uncertain significance. Review status: criteria provided, multiple submitters, no conflicts (2 of 4 stars). 2 submissions from 2 submitters: Uncertain significance (2). Last evaluated 2024-09-27.

Allele frequency attached by ClinVar (database versions not stated): gnomAD 0.00002; ExAC 0.00006; TOPMed 0.00007.
gnomAD v4.1: 28 of 1,613,892 alleles (0.0017%); highest among the groups gnomAD compares: Admixed American, 0.02%; no homozygotes.

Submissions (2):

Labcorp Genetics (formerly Invitae), Labcorp
Classification: Uncertain significance. Last evaluated: 2024-09-27. Review status: criteria provided, single submitter. Criteria: Invitae Variant Classification Sherloc (09022015). Collection method: clinical testing. Allele origin: germline.
Comment: This sequence change replaces glycine, which is neutral and non-polar, with serine, which is neutral and polar, at codon 3630 of the FAT4 protein (p.Gly3630Ser). This variant is present in population databases (rs764672318, gnomAD 0.03%). This variant has not been reported in the literature in individuals affected with FAT4-related conditions. ClinVar contains an entry for this variant (Variation ID: 1722827). Invitae Evidence Modeling of protein sequence and biophysical properties (such as structural, functional, and spatial information, amino acid conservation, physicochemical variation, residue mobility, and thermodynamic stability) indicates that this missense variant is not expected to disrupt FAT4 protein function with a negative predictive value of 95%. In summary, the available evidence is currently insufficient to determine the role of this variant in disease. Therefore, it has been classified as a Variant of Uncertain Significance.

GeneDx
Classification: Uncertain significance. Last evaluated: 2022-05-04. Review status: criteria provided, single submitter. Criteria: GeneDx Variant Classification Process June 2021. Collection method: clinical testing. Allele origin: germline. Affected: yes.
Comment: In silico analysis supports that this missense variant does not alter protein structure/function; Has not been previously published as pathogenic or benign to our knowledge